The following is an entry in ClinVar:

NM_173495.3(PTCHD1):c.1142T>C (p.Met381Thr)

Gene: PTCHD1 (patched domain containing 1; plus strand). Cytogenetic location: Xp22.11.
Variant type: single nucleotide variant.
Coding change: c.1142T>C on transcript NM_173495.3 (MANE Select); coding-DNA position 1142, T replaced by C.
Protein change: p.Met381Thr; replaces methionine 381 with threonine.
Molecular consequence: missense variant.
Genome position (GRCh38, 1-based): chrX:23,392,660, T>C. VCF-style: chrX-23392660-T-C. GRCh37 (hg19) VCF-style: chrX-23410777-T-C.
Other names: short protein forms M381T.
Identifiers: ClinVar variation 2574791 (VCV002574791.1), dbSNP rs1922867601, ClinGen allele CA412582819.

ClinVar aggregate classification (germline): Uncertain significance (1 of 4 stars; one submission).

Allele frequency attached by ClinVar (database versions not stated): TOPMed below 0.00001.

Submission:

GeneDx
Classification: Uncertain significance. Last evaluated: 2023-02-01. Review status: criteria provided, single submitter. Criteria: GeneDx Variant Classification Process June 2021. Collection method: clinical testing. Allele origin: germline. Affected: yes.
Comment: In silico analysis supports that this missense variant does not alter protein structure/function; Not observed at significant frequency in large population cohorts (gnomAD); Has not been previously published as pathogenic or benign to our knowledge